The following is an entry in ClinVar:

ClinVar aggregate classification (germline): Uncertain significance (1 of 4 stars; one submission).

Conditions:
Hereditary cancer-predisposing syndrome. Also called: Neoplastic Syndromes, Hereditary; Tumor predisposition; Hereditary neoplastic syndrome; Hereditary Cancer Syndrome. Identifiers: Orphanet 140162, MedGen C0027672, MeSH D009386, MONDO:0015356.

Submission:

Ambry Genetics
Classification: Uncertain significance for Hereditary cancer-predisposing syndrome. Last evaluated: 2026-09-14. Review status: criteria provided, single submitter. Criteria: Ambry Variant Classification Scheme 2023. Collection method: clinical testing. Allele origin: germline.
Comment: The c.1157_1159dupACC variant (also known as p.D386_L387insH), located in coding exon 11 of the TSC2 gene, results from an in-frame duplication of ACC at nucleotide positions 1157 to 1159. This results in the insertion of 1 extra residue (H) between codons 386 and 387. In addition, this variant is predicted to be deleterious by in silico analysis (Choi Y et al. PLoS ONE. 2012; 7(10):e46688). Based on the available evidence, the clinical significance of this variant remains unclear.

NM_000548.5(TSC2):c.1157_1159dup (p.Asp386_Leu387insHis)

Gene: TSC2 (TSC complex subunit 2; plus strand). Cytogenetic location: 16p13.3.
Variant type: Duplication.
Coding change: c.1157_1159dup on transcript NM_000548.5 (MANE Select); coding-DNA positions 1157 to 1159, 3 bases duplicated (ACC; older notation c.1157_1159dupACC).
Protein change: p.Asp386_Leu387insHis.
Molecular consequence: 5 prime UTR variant (on NM_001406689.1). On other transcripts: non-coding transcript variant (5), inframe indel (1).
Genome position (GRCh38, 1-based): chr16:2,061,908-2,061,910, ACC duplicated. VCF-style (leftmost placement, unchanged base first): chr16-2061907-G-GACC. GRCh37 (hg19) VCF-style: chr16-2111908-G-GACC.
Other names: c.557_559dup, p.Asp186_Leu187insHis (NM_001406686.1, NM_001406687.1, NM_001406688.1 and 6 more transcripts); c.-188_-186dup (NM_001406689.1, NM_001406690.1, NM_001406691.1 and 4 more transcripts); c.-156_-154dup (NM_001406694.1, NM_001406695.1); c.-364_-362dup (NM_001406698.1); c.1157_1159dup, p.Asp386_Leu387insHis (NM_021055.3, NM_001077183.3, NM_001114382.3 and 6 more transcripts); c.1157_1159dupACC (NM_000548.3); c.1046_1048dup, p.Asp349_Leu350insHis (NM_001318827.2, NM_001406670.1, NM_001406678.1); c.1010_1012dup, p.Asp337_Leu338insHis (NM_001318829.2, NM_001406675.1, NM_001406676.1 and 1 more transcripts); and 5 more.
Identifiers: ClinVar variation 5031414 (VCV005031414.1).